The following is an entry in ClinVar:

ClinVar aggregate classification (germline): Uncertain significance (1 of 4 stars; one submission).

Conditions:
Retinoblastoma (RB1). Also called: RETINOBLASTOMA, SOMATIC. Identifiers: Orphanet 790, MedGen C0035335, MeSH D012175, MONDO:0008380, OMIM 180200, HP:0009919. Disease mechanism: loss of function. Inheritance: Both sporadic and heritable forms are tested..

Submission:

Labcorp Genetics (formerly Invitae), Labcorp
Classification: Uncertain significance for Retinoblastoma. Last evaluated: 2023-06-10. Review status: criteria provided, single submitter. Criteria: Invitae Variant Classification Sherloc (09022015). Collection method: clinical testing. Allele origin: germline.
Comment: This variant has not been reported in the literature in individuals affected with RB1-related conditions. In summary, the available evidence is currently insufficient to determine the role of this variant in disease. Therefore, it has been classified as a Variant of Uncertain Significance. Advanced modeling of protein sequence and biophysical properties (such as structural, functional, and spatial information, amino acid conservation, physicochemical variation, residue mobility, and thermodynamic stability) performed at Invitae indicates that this missense variant is not expected to disrupt RB1 protein function. This variant is not present in population databases (gnomAD no frequency). This sequence change replaces isoleucine, which is neutral and non-polar, with valine, which is neutral and non-polar, at codon 532 of the RB1 protein (p.Ile532Val).

NM_000321.3(RB1):c.1594A>G (p.Ile532Val)

Gene: RB1 (RB transcriptional corepressor 1; plus strand). Cytogenetic location: 13q14.2.
Variant type: single nucleotide variant.
Coding change: c.1594A>G on transcript NM_000321.3 (MANE Select); coding-DNA position 1594, A replaced by G.
Protein change: p.Ile532Val; replaces isoleucine 532 with valine.
Molecular consequence: missense variant.
Genome position (GRCh38, 1-based): chr13:48,381,342, A>G. VCF-style: chr13-48381342-A-G. GRCh37 (hg19) VCF-style: chr13-48955478-A-G.
Other names: c.1594A>G, p.Ile532Val (NM_001407165.1, NM_001407166.1); short protein forms I532V.
Identifiers: ClinVar variation 2903655 (VCV002903655.3), dbSNP rs2138145305, ClinGen allele CA388163678.